The following is an entry in ClinVar:

ClinVar aggregate classification (germline): Uncertain significance (1 of 4 stars; one submission).

Allele frequency attached by ClinVar (database versions not stated): gnomAD exomes below 0.00001; TOPMed below 0.00001; ExAC 0.00001; gnomAD 0.00001.
gnomAD v4.1: 7 of 1,612,978 alleles (0.00043%); highest among the groups gnomAD compares: Non-Finnish European, 0.00059%; no homozygotes.

Submission:

Labcorp Genetics (formerly Invitae), Labcorp
Classification: Uncertain significance. Last evaluated: 2021-07-28. Review status: criteria provided, single submitter. Criteria: Invitae Variant Classification Sherloc (09022015). Collection method: clinical testing. Allele origin: germline.
Comment: This sequence change replaces threonine with alanine at codon 1187 of the SI protein (p.Thr1187Ala). The threonine residue is moderately conserved and there is a small physicochemical difference between threonine and alanine. Algorithms developed to predict the effect of missense changes on protein structure and function are either unavailable or do not agree on the potential impact of this missense change (SIFT: "Deleterious"; PolyPhen-2: "Benign"; Align-GVGD: "Class C0"). This variant has not been reported in the literature in individuals affected with SI-related conditions. This variant is present in population databases (rs773362089, ExAC 0.002%). In summary, the available evidence is currently insufficient to determine the role of this variant in disease. Therefore, it has been classified as a Variant of Uncertain Significance.

NM_001041.4(SI):c.3559A>G (p.Thr1187Ala)

Gene: SI (sucrase-isomaltase; minus strand). Cytogenetic location: 3q26.1.
Variant type: single nucleotide variant.
Coding change: c.3559A>G on transcript NM_001041.4 (MANE Select); coding-DNA position 3559, A replaced by G.
Protein change: p.Thr1187Ala; replaces threonine 1187 with alanine.
Molecular consequence: missense variant.
Genome position (GRCh38, 1-based): chr3:165,017,835, T>C on the plus strand (A>G on the coding strand, the complement: SI is on the minus strand). VCF-style: chr3-165017835-T-C. GRCh37 (hg19) VCF-style: chr3-164735623-T-C.
Other names: short protein forms T1187A.
Identifiers: ClinVar variation 1412349 (VCV001412349.6), dbSNP rs773362089, ClinGen allele CA2690220.